The following is an entry in ClinVar:

NM_003742.4(ABCB11):c.3379G>T (p.Glu1127Ter)

Gene: ABCB11 (ATP binding cassette subfamily B member 11; minus strand). Cytogenetic location: 2q31.1.
Variant type: single nucleotide variant.
Coding change: c.3379G>T on transcript NM_003742.4 (MANE Select); coding-DNA position 3379, G replaced by T.
Protein change: p.Glu1127Ter; replaces glutamic acid 1127 with a stop codon.
Molecular consequence: nonsense.
Genome position (GRCh38, 1-based): chr2:168,930,697, C>A on the plus strand (G>T on the coding strand, the complement: ABCB11 is on the minus strand). VCF-style: chr2-168930697-C-A. GRCh37 (hg19) VCF-style: chr2-169787207-C-A.
Other names: short protein forms E1127*.
Identifiers: ClinVar variation 3061224 (VCV003061224.2), dbSNP rs2545249385, ClinGen allele CA349121005.

ClinVar aggregate classification (germline): Pathogenic (0 of 4 stars; one submission).

Conditions:
ABCB11-related disorder. Also called: ABCB11-related condition.

Submission:

PreventionGenetics, part of Exact Sciences
Classification: Pathogenic for ABCB11-related condition. Last evaluated: 2024-02-27. Review status: no assertion criteria provided. Collection method: clinical testing. Allele origin: germline.
Comment: The ABCB11 c.3379G>T variant is predicted to result in premature protein termination (p.Glu1127*). To our knowledge, this variant has not been reported in the literature or in a large population database, indicating this variant is rare. Nonsense variants in ABCB11 are expected to be pathogenic. This variant is interpreted as pathogenic.